The following is an entry in ClinVar:

ClinVar aggregate classification (germline): Uncertain significance (3 of 4 stars; one submission).

Conditions:
Open-angle glaucoma. Identifiers: MedGen C0017612, MONDO:0005338, HP:0012108.

Submission:

ClinGen Glaucoma Variant Curation Expert Panel
Classification: Uncertain significance for Open-angle glaucoma. Last evaluated: 2025-10-08. Review status: reviewed by expert panel. Criteria: ClinGen Glaucoma ACMG Specifications V2.0.0 Approved. Collection method: curation. Allele origin: germline. Inheritance: Autosomal dominant inheritance.
Comment: The c.761C>G variant in MYOC is a missense variant predicted to cause substitution of Proline by Arginine at amino acid 254 (p.Pro254Arg). This variant was not found in any genetic ancestry group of gnomAD (v4.1.0), meeting the ≤ 0.0001 threshold set for PM2_Supporting in a genetic ancestry group of at least 10,000 alleles. The REVEL score = 0.924, which was within the 0.773-0.931 range for PP3_Moderate, predicting a damaging effect on MYOC function. There was no functional evidence predicting a damaging or benign impact of this variant on MYOC function. Only 1 segregation had been reported for juvenile open angle glaucoma (JOAG) (PMID: 26095806), not meeting the ≥ 3 segregations required for PP1. Only 1 proband with JOAG had been reported (PMID: 26095806), not meeting the ≥ 2 probands threshold required to meet PS4_Supporting. Two other missense variants (c.760C>A, p.Pro254Thr, Grantham score = 38, ClinVar ID: 2429764 and c.761C>T, p.Pro254Leu, Grantham score = 98, ClinVar ID: 1342967) at the same codon have been classified as likely pathogenic for juvenile open angle glaucoma by the ClinGen Glaucoma VCEP. The c.761C>G, p.Pro254Arg variant has a higher Grantham score (= 103) than the previously classified amino acid changes, was not predicted to affect splicing as assessed with SpliceAI (≤ 0.2), and met PP3, meeting the conditions for PM5 to apply. In summary, this variant met the criteria to receive a score of 5 and to be classified as a variant of uncertain significance (uncertain significance classification range -1 to 5, adapted from PMID: 32720330) for juvenile open angle glaucoma based on the ACMG/AMP criteria met, as specified by the ClinGen Glaucoma VCEP (v2.0.0, 5 Dec 2024): PM5, PP3_Moderate, PM2_Supporting.

NM_000261.2(MYOC):c.761C>G (p.Pro254Arg)

Gene: MYOC (myocilin; minus strand). Cytogenetic location: 1q24.3.
Variant type: single nucleotide variant.
Coding change: c.761C>G on transcript NM_000261.2 (MANE Select); coding-DNA position 761, C replaced by G.
Protein change: p.Pro254Arg; replaces proline 254 with arginine.
Molecular consequence: missense variant.
Genome position (GRCh38, 1-based): chr1:171,636,679, G>C on the plus strand (C>G on the coding strand, the complement: MYOC is on the minus strand). VCF-style: chr1-171636679-G-C. GRCh37 (hg19) VCF-style: chr1-171605819-G-C.
Other names: NM_000261.2:c.761C>G; short protein forms P254R.
Identifiers: ClinVar variation 1810365 (VCV001810365.2), dbSNP rs2102944853, ClinGen allele CA343726243.